The following is an entry in ClinVar:

NM_001035.3(RYR2):c.1324G>C (p.Ala442Pro)

Gene: RYR2 (ryanodine receptor 2; plus strand). Cytogenetic location: 1q43.
Variant type: single nucleotide variant.
Coding change: c.1324G>C on transcript NM_001035.3 (MANE Select); coding-DNA position 1324, G replaced by C.
Protein change: p.Ala442Pro; replaces alanine 442 with proline.
Molecular consequence: missense variant.
Genome position (GRCh38, 1-based): chr1:237,454,422, G>C. VCF-style: chr1-237454422-G-C. GRCh37 (hg19) VCF-style: chr1-237617722-G-C.
Other names: c.1324G>C (NM_001035.2); short protein forms A442P.
Identifiers: ClinVar variation 1410530 (VCV001410530.12), dbSNP rs747344666, ClinGen allele CA345379981.
Genomic context (GRCh38, chr1:237,454,422, plus strand): 5'-AATAGAGAAATGTTTATGGTTTATTTTAGGGGCCTTGATGCTCTCAGCAAGAAAGCGAAG[G>C]CTTCCACAGTCGATTTGCCTATAGAGTCCGTAAGCCTAAGTCTGCAGGATCTCATTGGCT-3'
Protein context (NP_001026.2, residues 432-452): GLDALSKKAK[Ala442Pro]STVDLPIESV

ClinVar aggregate classification (germline): Uncertain significance. Review status: criteria provided, multiple submitters, no conflicts (2 of 4 stars). 4 submissions from 4 submitters: Uncertain significance (4). Last evaluated 2024-12-28.

Conditions:
Catecholaminergic polymorphic ventricular tachycardia (CVPT). Also called: Catecholamine-induced polymorphic ventricular tachycardia. Identifiers: Orphanet 3286, MedGen C5574922, MONDO:0017990.
Catecholaminergic polymorphic ventricular tachycardia 1. Also called: RYR2-Related Catecholaminergic Polymorphic Ventricular Tachycardia; VENTRICULAR TACHYCARDIA, STRESS-INDUCED POLYMORPHIC 1; VENTRICULAR TACHYCARDIA, CATECHOLAMINERGIC POLYMORPHIC, 1, WITH OR WITHOUT ATRIAL DYSFUNCTION AND/OR DILATED CARDIOMYOPATHY. Identifiers: Orphanet 3286, MedGen C1631597, MONDO:0011484, OMIM 604772.
Cardiovascular phenotype. Identifiers: MedGen CN230736.
Cardiomyopathy (CMYO). Also called: Cardiomyopathies. Identifiers: Orphanet 167848, MedGen C0878544, MONDO:0004994, HP:0001638. Inheritance: Various modes of inheritance.

gnomAD v4.1: 2 of 1,612,124 alleles (0.00012%); highest among the groups gnomAD compares: Admixed American, 0.0017%; no homozygotes.

Submissions (4):

Ambry Genetics
Classification: Uncertain significance for Cardiovascular phenotype. Last evaluated: 2024-12-28. Review status: criteria provided, single submitter. Criteria: Ambry Variant Classification Scheme 2023. Collection method: clinical testing. Allele origin: germline.
Comment: The p.A442P variant (also known as c.1324G>C), located in coding exon 15 of the RYR2 gene, results from a G to C substitution at nucleotide position 1324. The alanine at codon 442 is replaced by proline, an amino acid with highly similar properties. This amino acid position is poorly conserved in available vertebrate species. In addition, this alteration is predicted to be tolerated by in silico analysis. Based on the available evidence, the clinical significance of this variant remains unclear.

All of Us Research Program, National Institutes of Health
Classification: Uncertain significance for Catecholaminergic polymorphic ventricular tachycardia. Last evaluated: 2024-07-29. Review status: criteria provided, single submitter. Criteria: ACMG Guidelines, 2015. Collection method: clinical testing. Allele origin: germline. Inheritance: Autosomal dominant inheritance. Observed: 4 variant alleles, 4 heterozygotes.
Comment: This missense variant replaces alanine with proline at codon 442 of the RYR2 protein. Computational prediction suggests that this variant may not impact protein structure and function (internally defined REVEL score threshold <= 0.5, PMID: 27666373). To our knowledge, functional studies have not been reported for this variant. This variant has not been reported in individuals affected with RYR2-related disorders in the literature. This variant has not been identified in the general population by the Genome Aggregation Database (gnomAD). The available evidence is insufficient to determine the role of this variant in disease conclusively. Therefore, this variant is classified as a Variant of Uncertain Significance.

This study involves interpretation of variants in research participants for the purpose of population health screening. Participant phenotype was not available at the time of variant classification. Additional details can be found in publication PMID: 35346344, PMCID: PMC8962531

Color Diagnostics, LLC DBA Color Health
Classification: Uncertain significance for Cardiomyopathy. Last evaluated: 2024-03-06. Review status: criteria provided, single submitter. Criteria: ACMG Guidelines, 2015. Collection method: clinical testing. Allele origin: germline.
Comment: This missense variant replaces alanine with proline at codon 442 of the RYR2 protein. Computational prediction suggests that this variant may not impact protein structure and function. To our knowledge, functional studies have not been reported for this variant. This variant has not been reported in individuals affected with RYR2-related disorders in the literature. This variant has not been identified in the general population by the Genome Aggregation Database (gnomAD). The available evidence is insufficient to determine the role of this variant in disease conclusively. Therefore, this variant is classified as a Variant of Uncertain Significance.

Labcorp Genetics (formerly Invitae), Labcorp
Classification: Uncertain significance for Catecholaminergic polymorphic ventricular tachycardia 1. Last evaluated: 2021-03-26. Review status: criteria provided, single submitter. Criteria: Invitae Variant Classification Sherloc (09022015). Collection method: clinical testing. Allele origin: germline.
Comment: In summary, the available evidence is currently insufficient to determine the role of this variant in disease. Therefore, it has been classified as a Variant of Uncertain Significance. Advanced modeling of protein sequence and biophysical properties (such as structural, functional, and spatial information, amino acid conservation, physicochemical variation, residue mobility, and thermodynamic stability) performed at Invitae indicates that this missense variant is not expected to disrupt RYR2 protein function. This variant has not been reported in the literature in individuals with RYR2-related conditions. This variant is not present in population databases (ExAC no frequency). This sequence change replaces alanine with proline at codon 442 of the RYR2 protein (p.Ala442Pro). The alanine residue is weakly conserved and there is a small physicochemical difference between alanine and proline.